The following is an entry in ClinVar:

NM_004863.4(SPTLC2):c.302A>G (p.His101Arg)

Gene: SPTLC2 (serine palmitoyltransferase long chain base subunit 2; minus strand). Cytogenetic location: 14q24.3.
Variant type: single nucleotide variant.
Coding change: c.302A>G on transcript NM_004863.4 (MANE Select); coding-DNA position 302, A replaced by G.
Protein change: p.His101Arg; replaces histidine 101 with arginine.
Molecular consequence: missense variant.
Genome position (GRCh38, 1-based): chr14:77,597,211, T>C on the plus strand (A>G on the coding strand, the complement: SPTLC2 is on the minus strand). VCF-style: chr14-77597211-T-C. GRCh37 (hg19) VCF-style: chr14-78063554-T-C.
Other names: short protein forms H101R.
Identifiers: ClinVar variation 1034670 (VCV001034670.12), dbSNP rs764557377, ClinGen allele CA7289475.

ClinVar aggregate classification (germline): Uncertain significance. Review status: criteria provided, multiple submitters, no conflicts (2 of 4 stars). 3 submissions from 3 submitters: Uncertain significance (3). Last evaluated 2022-07-19.

Conditions:
Inborn genetic diseases. Identifiers: MedGen C0950123, MeSH D030342.
Neuropathy, hereditary sensory and autonomic, type 1C. Also called: HSAN IC; HSN IC. Identifiers: Orphanet 36386, MedGen C3150896, MONDO:0013337, OMIM 613640.

Allele frequency attached by ClinVar (database versions not stated): gnomAD exomes below 0.00001; ExAC 0.00001.
gnomAD v4.1: 5 of 1,614,176 alleles (0.00031%); highest among the groups gnomAD compares: Non-Finnish European, 0.00017%; no homozygotes.

Submissions (3):

Labcorp Genetics (formerly Invitae), Labcorp
Classification: Uncertain significance for Neuropathy, hereditary sensory and autonomic, type 1C. Last evaluated: 2022-07-19. Review status: criteria provided, single submitter. Criteria: Invitae Variant Classification Sherloc (09022015). Collection method: clinical testing. Allele origin: germline.
Comment: This sequence change replaces histidine, which is basic and polar, with arginine, which is basic and polar, at codon 101 of the SPTLC2 protein (p.His101Arg). This variant is present in population databases (rs764557377, gnomAD 0.0009%). This variant has not been reported in the literature in individuals affected with SPTLC2-related conditions. ClinVar contains an entry for this variant (Variation ID: 1034670). Algorithms developed to predict the effect of missense changes on protein structure and function (SIFT, PolyPhen-2, Align-GVGD) all suggest that this variant is likely to be tolerated. In summary, the available evidence is currently insufficient to determine the role of this variant in disease. Therefore, it has been classified as a Variant of Uncertain Significance.

Ambry Genetics
Classification: Uncertain significance for Inborn genetic diseases. Last evaluated: 2021-05-11. Review status: criteria provided, single submitter. Criteria: Ambry Variant Classification Scheme 2023. Collection method: clinical testing. Allele origin: germline.
Comment: The p.H101R variant (also known as c.302A>G), located in coding exon 2 of the SPTLC2 gene, results from an A to G substitution at nucleotide position 302. The histidine at codon 101 is replaced by arginine, an amino acid with highly similar properties. This amino acid position is not well conserved in available vertebrate species, and arginine is the reference amino acid in other vertebrate species. In addition, this alteration is predicted to be tolerated by in silico analysis. Since supporting evidence is limited at this time, the clinical significance of this alteration remains unclear.

GeneDx
Classification: Uncertain significance. Last evaluated: 2019-08-13. Review status: criteria provided, single submitter. Criteria: GeneDx Variant Classification Process June 2021. Collection method: clinical testing. Allele origin: germline. Affected: yes.
Comment: Not observed at a significant frequency in large population cohorts (Lek et al., 2016); In silico analysis, which includes protein predictors and evolutionary conservation, supports that this variant does not alter protein structure/function; Has not been previously published as pathogenic or benign to our knowledge